The following is an entry in ClinVar:

ClinVar aggregate classification (germline): Benign (0 of 4 stars; one submission).

Conditions:
ZNF512B-related disorder. Also called: ZNF512B-related condition.

Allele frequency attached by ClinVar (database versions not stated): 1000 Genomes Project 0.31909; 1000 Genomes Project 30x 0.32214; ExAC 0.36141; TOPMed 0.37515; gnomAD exomes 0.38502; gnomAD 0.38648; ESP Exome Variant Server 0.39751.
gnomAD v4.1: 619,022 of 1,611,840 alleles (38%); highest among the groups gnomAD compares: African/African-American, 45%; 123,385 homozygotes.

Submissions (6):

PreventionGenetics, part of Exact Sciences
Classification: Benign for ZNF512B-related condition. Last evaluated: 2019-10-21. Review status: no assertion criteria provided. Collection method: clinical testing. Allele origin: germline.
Comment: This variant is classified as benign based on ACMG/AMP sequence variant interpretation guidelines (Richards et al. 2015 PMID: 25741868, with internal and published modifications).

Dr. Peter K. Rogan Lab, Western University
No classification provided (evidence only). Condition: Malignant lymphoma, large B-cell, diffuse. Review status: no classification provided. Collection method: in vitro. Allele origin: not applicable. Functional consequence: retained intron. Not counted in ClinVar's aggregate classification.

Dr. Peter K. Rogan Lab, Western University
No classification provided (evidence only). Condition: Malignant lymphoma, large B-cell, diffuse. Review status: no classification provided. Collection method: in vitro. Allele origin: not applicable. Functional consequence: retained intron. Not counted in ClinVar's aggregate classification.

Dr. Peter K. Rogan Lab, Western University
No classification provided (evidence only). Condition: Malignant lymphoma, large B-cell, diffuse. Review status: no classification provided. Collection method: in vitro. Allele origin: not applicable. Functional consequence: retained intron. Not counted in ClinVar's aggregate classification.

Dr. Peter K. Rogan Lab, Western University
No classification provided (evidence only). Condition: Malignant lymphoma, large B-cell, diffuse. Review status: no classification provided. Collection method: in vitro. Allele origin: not applicable. Functional consequence: retained intron. Not counted in ClinVar's aggregate classification.

Dr. Peter K. Rogan Lab, Western University
No classification provided (evidence only). Condition: Malignant lymphoma, large B-cell, diffuse. Review status: no classification provided. Collection method: in vitro. Allele origin: not applicable. Functional consequence: retained intron. Not counted in ClinVar's aggregate classification.

NM_020713.3(ZNF512B):c.183G>A (p.Pro61=)

Gene: ZNF512B (zinc finger protein 512B; minus strand). Cytogenetic location: 20q13.33.
Variant type: single nucleotide variant.
Coding change: c.183G>A on transcript NM_020713.3 (MANE Select); coding-DNA position 183, G replaced by A.
Protein change: p.Pro61=; no amino-acid change (proline 61 retained).
Molecular consequence: synonymous variant.
Genome position (GRCh38, 1-based): chr20:63,967,462, C>T on the plus strand (G>A on the coding strand, the complement: ZNF512B is on the minus strand). VCF-style: chr20-63967462-C-T. GRCh37 (hg19) VCF-style: chr20-62598815-C-T.
Other names: NC_000020.10:g.62598815C>T.
Identifiers: ClinVar variation 3060013 (VCV003060013.3), dbSNP rs817330, ClinGen allele CA9971485.